The following is an entry in ClinVar:

NM_001369.3(DNAH5):c.13689G>C (p.Leu4563Phe)

Gene: DNAH5 (dynein axonemal heavy chain 5; minus strand). Cytogenetic location: 5p15.2.
Variant type: single nucleotide variant.
Coding change: c.13689G>C on transcript NM_001369.3 (MANE Select); coding-DNA position 13689, G replaced by C.
Protein change: p.Leu4563Phe; replaces leucine 4563 with phenylalanine.
Molecular consequence: missense variant.
Genome position (GRCh38, 1-based): chr5:13,700,674, C>G on the plus strand (G>C on the coding strand, the complement: DNAH5 is on the minus strand). VCF-style: chr5-13700674-C-G. GRCh37 (hg19) VCF-style: chr5-13700783-C-G.
Other names: short protein forms L4563F.
Identifiers: ClinVar variation 525337 (VCV000525337.12), dbSNP rs374221053, ClinGen allele CA3201282.

ClinVar aggregate classification (germline): Conflicting classifications of pathogenicity. Review status: criteria provided, conflicting classifications (1 of 4 stars). 3 submissions from 3 submitters: Uncertain significance (1); Likely benign (1). 1 of the submissions does not count toward it. Last evaluated 2026-02-01.

Conditions:
Primary ciliary dyskinesia. Also called: Ciliary dyskinesia. Identifiers: Orphanet 244, MedGen C0008780, MONDO:0016575, HP:0012265.

Allele frequency attached by ClinVar (database versions not stated): ExAC 0.00004; gnomAD 0.00006 and 0.00007; TOPMed 0.00006; gnomAD exomes 0.00007 and 0.00012; ESP Exome Variant Server 0.00008.
gnomAD v4.1: 186 of 1,614,062 alleles (0.012%); highest among the groups gnomAD compares: Middle Eastern, 0.016%; no homozygotes.

Submissions (3):

Labcorp Genetics (formerly Invitae), Labcorp
Classification: Likely benign for Primary ciliary dyskinesia. Last evaluated: 2026-02-01. Review status: criteria provided, single submitter. Criteria: Invitae Variant Classification Sherloc (09022015). Collection method: clinical testing. Allele origin: germline.

Ambry Genetics
Classification: Uncertain significance for Primary ciliary dyskinesia. Last evaluated: 2015-01-16. Review status: criteria provided, single submitter. Criteria: Ambry Variant Classification Scheme 2023. Collection method: clinical testing. Allele origin: germline.
Comment: The p.L4563F variant (also known as c.13689G>C), located in coding exon 78 of the DNAH5 gene, results from a G to C substitution at nucleotide position 13689. The leucine at codon 4563 is replaced by phenylalanine, an amino acid with highly similar properties. This variant was previously reported in the SNPDatabase as rs374221053. Based on data from the NHLBI Exome Sequencing Project (ESP), the C allele has an overall frequency of approximately 0.01% (1/13006) total alleles studied and 0.01% (1/8600) European American alleles. This amino acid position is poorly conserved on species alignment. In addition, this alteration is predicted to be tolerated by in silico analysis. Since supporting evidence is limited at this time, the clinical significance of this variant remains unclear.

Natera, Inc.
Classification: Uncertain significance for Primary ciliary dyskinesia. Last evaluated: 2019-10-28. Review status: no assertion criteria provided. Collection method: clinical testing. Allele origin: germline. Not counted in ClinVar's aggregate classification.